The following is an entry in ClinVar:

ClinVar aggregate classification (germline): Pathogenic/Likely pathogenic. Review status: criteria provided, multiple submitters, no conflicts (2 of 4 stars). 3 submissions from 3 submitters: Pathogenic (2); Likely pathogenic (1). Last evaluated 2024-08-01.

Conditions:
GNPTG-related disorder. Also called: GNPTG-related condition.
GNPTG-mucolipidosis. Also called: MUCOLIPIDOSIS III, COMPLEMENTATION GROUP C; MUCOLIPIDOSIS III, IRANIAN VARIANT FORM; MUCOLIPIDOSIS III, VARIANT FORM; Mucolipidosis type III gamma; ML III GAMMA; ML IIIC. Identifiers: Orphanet 423470, Orphanet 577, MedGen C1854896, MONDO:0009652, OMIM 252605.

gnomAD v4.1: 5 of 1,611,878 alleles (0.00031%); highest among the groups gnomAD compares: Non-Finnish European, 0.00034%; no homozygotes.

Submissions (3):

MVZ Martinsried, Medicover Genetics
Classification: Pathogenic for GNPTG-mucolipidosis. Last evaluated: 2024-08-01. Review status: criteria provided, single submitter. Criteria: ACGS Guidelines, 2020. Collection method: clinical testing. Allele origin: inherited. Affected: yes. Observed: 1 compound heterozygote.

Blueprint Genetics
Classification: Likely pathogenic for GNPTG-related disorders. Last evaluated: 2024-03-28. Review status: criteria provided, single submitter. Criteria: ACMG Guidelines, 2015. Collection method: clinical testing. Allele origin: germline. Affected: yes. Observed: 1 variant allele.

Labcorp Genetics (formerly Invitae), Labcorp
Classification: Pathogenic. Last evaluated: 2022-01-26. Review status: criteria provided, single submitter. Criteria: Invitae Variant Classification Sherloc (09022015). Collection method: clinical testing. Allele origin: germline.
Comment: Algorithms developed to predict the effect of sequence changes on RNA splicing suggest that this variant may create or strengthen a splice site. For these reasons, this variant has been classified as Pathogenic. This variant has not been reported in the literature in individuals affected with GNPTG-related conditions. This sequence change creates a premature translational stop signal (p.Ser68*) in the GNPTG gene. It is expected to result in an absent or disrupted protein product. Loss-of-function variants in GNPTG are known to be pathogenic (PMID: 19370764, 20301784). This variant is not present in population databases (gnomAD no frequency).

Literature cited by the submitters: PubMed 19370764 (cited by Labcorp Genetics (formerly Invitae), Labcorp); PubMed 20301784 (cited by Labcorp Genetics (formerly Invitae), Labcorp).

NM_032520.5(GNPTG):c.203C>A (p.Ser68Ter)

Gene: GNPTG (N-acetylglucosamine-1-phosphate transferase subunit gamma; plus strand). Cytogenetic location: 16p13.3.
Variant type: single nucleotide variant.
Coding change: c.203C>A on transcript NM_032520.5 (MANE Select); coding-DNA position 203, C replaced by A.
Protein change: p.Ser68Ter; replaces serine 68 with a stop codon.
Molecular consequence: nonsense.
Genome position (GRCh38, 1-based): chr16:1,361,767, C>A. VCF-style: chr16-1361767-C-A. GRCh37 (hg19) VCF-style: chr16-1411768-C-A.
Other names: short protein forms S68*.
Identifiers: ClinVar variation 1354910 (VCV001354910.8), dbSNP rs552402857, ClinGen allele CA394186530.